The following is an entry in ClinVar:

ClinVar aggregate classification (germline): Uncertain significance (1 of 4 stars; one submission).

Submission:

GeneDx
Classification: Uncertain significance. Last evaluated: 2019-05-31. Review status: criteria provided, single submitter. Criteria: GeneDx Variant Classification Process June 2021. Collection method: clinical testing. Allele origin: germline. Affected: yes.
Comment: Not observed in large population cohorts (Lek et al., 2016); In silico analysis, which includes protein predictors and evolutionary conservation, supports that this variant does not alter protein structure/function; Has not been previously published as pathogenic or benign to our knowledge

NM_006258.4(PRKG1):c.5G>A (p.Gly2Asp)

Gene: PRKG1 (protein kinase cGMP-dependent 1; plus strand). Cytogenetic location: 10q11.23.
Variant type: single nucleotide variant.
Coding change: c.5G>A on transcript NM_006258.4 (MANE Select); coding-DNA position 5, G replaced by A.
Protein change: p.Gly2Asp; replaces glycine 2 with aspartic acid.
Molecular consequence: missense variant. On other transcripts: intron variant (1).
Genome position (GRCh38, 1-based): chr10:51,074,595, G>A. VCF-style: chr10-51074595-G-A. GRCh37 (hg19) VCF-style: chr10-52834355-G-A.
Other names: c.5G>A, p.Gly2Asp (NM_001374782.1); c.267-78569G>A (NM_001098512.3); short protein forms G2D.
Identifiers: ClinVar variation 1305972 (VCV001305972.2), dbSNP rs1843898285, ClinGen allele CA376826575.